The following is an entry in ClinVar:

NM_024683.4(TEFM):c.519C>T (p.Ile173=)

Gene: TEFM (transcription elongation factor, mitochondrial; minus strand). Cytogenetic location: 17q11.2.
Variant type: single nucleotide variant.
Coding change: c.519C>T on transcript NM_024683.4 (MANE Select); coding-DNA position 519, C replaced by T.
Protein change: p.Ile173=; no amino-acid change (isoleucine 173 retained).
Molecular consequence: synonymous variant.
Genome position (GRCh38, 1-based): chr17:30,900,539, G>A on the plus strand (C>T on the coding strand, the complement: TEFM is on the minus strand). VCF-style: chr17-30900539-G-A. GRCh37 (hg19) VCF-style: chr17-29227557-G-A.
Identifiers: ClinVar variation 5039074 (VCV005039074.1).

ClinVar aggregate classification (germline): Likely benign (1 of 4 stars; one submission).

gnomAD v4.1: 31 of 1,613,768 alleles (0.0019%); highest among the groups gnomAD compares: Admixed American, 0.017%; 1 homozygote.

Submission:

CeGaT Center for Human Genetics Tuebingen
Classification: Likely benign. Last evaluated: 2026-07-01. Review status: criteria provided, single submitter. Criteria: CeGaT Center For Human Genetics Tuebingen Variant Classification Criteria Version 2. Collection method: clinical testing. Allele origin: germline. Affected: yes. Observed: 1 variant allele.
Comment: TEFM: BP4, BP7